The following is an entry in ClinVar:

ClinVar aggregate classification (germline): Uncertain significance. Review status: criteria provided, multiple submitters, no conflicts (2 of 4 stars). 3 submissions from 3 submitters: Uncertain significance (3). Last evaluated 2024-03-01.

Conditions:
Retinitis pigmentosa (RP). Identifiers: Orphanet 791, MedGen C0035334, MeSH D012174, MONDO:0019200, OMIM 268000. Inheritance: Autosomal dominant, autosomal recessive and X linked inheritance.

Allele frequency attached by ClinVar (database versions not stated): ExAC 0.00001; gnomAD exomes 0.00002; gnomAD 0.00003; TOPMed 0.00003; ESP Exome Variant Server 0.00008.
gnomAD v4.1: 33 of 1,613,960 alleles (0.002%); highest among the groups gnomAD compares: East Asian, 0.0045%; no homozygotes.

Submissions (3):

Labcorp Genetics (formerly Invitae), Labcorp
Classification: Uncertain significance. Last evaluated: 2024-03-01. Review status: criteria provided, single submitter. Criteria: Invitae Variant Classification Sherloc (09022015). Collection method: clinical testing. Allele origin: germline.
Comment: This sequence change replaces threonine, which is neutral and polar, with methionine, which is neutral and non-polar, at codon 976 of the SNRNP200 protein (p.Thr976Met). This variant is present in population databases (rs368406136, gnomAD 0.004%). This variant has not been reported in the literature in individuals affected with SNRNP200-related conditions. ClinVar contains an entry for this variant (Variation ID: 896362). Advanced modeling of protein sequence and biophysical properties (such as structural, functional, and spatial information, amino acid conservation, physicochemical variation, residue mobility, and thermodynamic stability) performed at Invitae indicates that this missense variant is expected to disrupt SNRNP200 protein function with a positive predictive value of 80%. In summary, the available evidence is currently insufficient to determine the role of this variant in disease. Therefore, it has been classified as a Variant of Uncertain Significance.

Blueprint Genetics
Classification: Uncertain significance. Last evaluated: 2019-08-20. Review status: criteria provided, single submitter. Criteria: ACMG Guidelines, 2015. Collection method: clinical testing. Allele origin: germline.

Illumina Laboratory Services, Illumina
Classification: Uncertain significance for Retinitis pigmentosa. Last evaluated: 2018-01-13. Review status: criteria provided, single submitter. Criteria: ICSL Variant Classification Criteria 13 December 2019. Collection method: clinical testing. Allele origin: germline.

NM_014014.5(SNRNP200):c.2927C>T (p.Thr976Met)

Gene: SNRNP200 (small nuclear ribonucleoprotein U5 subunit 200; minus strand). Cytogenetic location: 2q11.2.
Variant type: single nucleotide variant.
Coding change: c.2927C>T on transcript NM_014014.5 (MANE Select); coding-DNA position 2927, C replaced by T.
Protein change: p.Thr976Met; replaces threonine 976 with methionine.
Molecular consequence: missense variant.
Genome position (GRCh38, 1-based): chr2:96,289,812, G>A on the plus strand (C>T on the coding strand, the complement: SNRNP200 is on the minus strand). VCF-style: chr2-96289812-G-A. GRCh37 (hg19) VCF-style: chr2-96955550-G-A.
Other names: short protein forms T976M.
Identifiers: ClinVar variation 896362 (VCV000896362.7), dbSNP rs368406136, ClinGen allele CA1778597.